The following is an entry in ClinVar:

NM_021927.3(GUF1):c.38G>A (p.Arg13His)

Genes: GUF1 (GTP binding elongation factor GUF1; plus strand), LOC129992541 (ATAC-STARR-seq lymphoblastoid silent region 15397; plus strand). Cytogenetic location: 4p12.
Variant type: single nucleotide variant.
Coding change: c.38G>A on transcript NM_021927.3 (MANE Select); coding-DNA position 38, G replaced by A.
Protein change: p.Arg13His; replaces arginine 13 with histidine.
Molecular consequence: missense variant. On other transcripts: 5 prime UTR variant (2).
Genome position (GRCh38, 1-based): chr4:44,678,660, G>A. VCF-style: chr4-44678660-G-A. GRCh37 (hg19) VCF-style: chr4-44680677-G-A.
Other names: c.-931G>A (NM_001345867.2); c.38G>A, p.Arg13His (NM_001345868.2); c.-823G>A (NM_001345869.2); short protein forms R13H.
Identifiers: ClinVar variation 3718950 (VCV003718950.2).

ClinVar aggregate classification (germline): Uncertain significance (1 of 4 stars; one submission).

Submission:

Labcorp Genetics (formerly Invitae), Labcorp
Classification: Uncertain significance. Last evaluated: 2024-10-09. Review status: criteria provided, single submitter. Criteria: Invitae Variant Classification Sherloc (09022015). Collection method: clinical testing. Allele origin: germline.
Comment: This sequence change replaces arginine, which is basic and polar, with histidine, which is basic and polar, at codon 13 of the GUF1 protein (p.Arg13His). This variant is not present in population databases (gnomAD no frequency). This variant has not been reported in the literature in individuals affected with GUF1-related conditions. An algorithm developed to predict the effect of missense changes on protein structure and function (PolyPhen-2) suggests that this variant is likely to be tolerated. In summary, the available evidence is currently insufficient to determine the role of this variant in disease. Therefore, it has been classified as a Variant of Uncertain Significance.